The following is an entry in ClinVar:

ClinVar aggregate classification (germline): Uncertain significance (1 of 4 stars; one submission).

Conditions:
Ichthyosis vulgaris. Also called: ICHTHYOSIS SIMPLEX; Dominant ichthyosis vulgaris. Identifiers: MedGen C0079584, MONDO:0024304, OMIM 146700.
Dermatitis, atopic, 2. Identifiers: MedGen C1853965, MONDO:0011596, OMIM 605803.

Submission:

Juno Genomics, Hangzhou Juno Genomics, Inc
Classification: Uncertain significance for Dermatitis, atopic, 2; Ichthyosis vulgaris. Review status: criteria provided, single submitter. Criteria: ACMG Guidelines, 2015. Collection method: clinical testing. Allele origin: germline.
Comment: Absent from controls (or at extremely low frequency if recessive) in Genome Aggregation Database.;Null variant in a gene where loss of function (LOF) is a known mechanism of disease.

NM_002016.2(FLG):c.11740_11741del (p.Gln3914fs)

Genes: CCDST (cervical cancer associated DHX9 suppressive transcript; plus strand), FLG (filaggrin; minus strand). Cytogenetic location: 1q21.3.
Variant type: Deletion.
Coding change: c.11740_11741del on transcript NM_002016.2 (MANE Select); coding-DNA positions 11740 to 11741, 2 bases deleted (CA; older notation c.11740_11741delCA).
Protein change: p.Gln3914fs; shifts the reading frame from glutamine 3914.
Molecular consequence: frameshift variant.
Genome position (GRCh38, 1-based): chr1:152,303,145-152,303,146, TG deleted on the plus strand (CA on the coding strand, the reverse complement: FLG is on the minus strand); deleting any 2 consecutive bases within chr1:152,303,145-152,303,147 gives the same sequence; the c. name uses the placement nearest the transcript's 3' end. VCF-style (leftmost placement, unchanged base first): chr1-152303144-CTG-C. GRCh37 (hg19) VCF-style: chr1-152275620-CTG-C.
Other names: short protein forms Q3914fs.
Identifiers: ClinVar variation 5019570 (VCV005019570.2).